The following is an entry in ClinVar:

ClinVar aggregate classification (germline): Uncertain significance (1 of 4 stars; one submission).

Submission:

GeneDx
Classification: Uncertain significance. Last evaluated: 2026-03-25. Review status: criteria provided, single submitter. Criteria: GeneDx Variant Classification Process June 2021. Collection method: clinical testing. Allele origin: germline.
Comment: Not observed at significant frequency in large population cohorts (gnomAD); In silico analysis suggests that this missense variant does not alter protein structure/function; Has not been previously published as pathogenic or benign to our knowledge

NM_001042424.3(NSD2):c.1075G>T (p.Val359Leu)

Gene: NSD2 (nuclear receptor binding SET domain protein 2; plus strand). Cytogenetic location: 4p16.3.
Variant type: single nucleotide variant.
Coding change: c.1075G>T on transcript NM_001042424.3 (MANE Select); coding-DNA position 1075, G replaced by T.
Protein change: p.Val359Leu; replaces valine 359 with leucine.
Molecular consequence: missense variant.
Genome position (GRCh38, 1-based): chr4:1,918,288, G>T. VCF-style: chr4-1918288-G-T. GRCh37 (hg19) VCF-style: chr4-1920015-G-T.
Other names: c.1075G>T, p.Val359Leu (NM_001440892.1, NM_133334.3, NM_133335.4 and 8 more transcripts); c.1174G>T, p.Val392Leu (NM_001440893.1); c.106G>T, p.Val36Leu (NM_001440899.1, NM_001440900.1); short protein forms V359L, V36L, V392L.
Identifiers: ClinVar variation 5016974 (VCV005016974.1).